The following is an entry in ClinVar:

ClinVar aggregate classification (germline): Uncertain significance (1 of 4 stars; one submission).

Allele frequency attached by ClinVar (database versions not stated): 1000 Genomes Project 30x 0.00016; 1000 Genomes Project 0.00020.
gnomAD v4.1: 20 of 1,614,064 alleles (0.0012%); highest among the groups gnomAD compares: African/African-American, 0.013%; no homozygotes.

Submission:

Labcorp Genetics (formerly Invitae), Labcorp
Classification: Uncertain significance. Last evaluated: 2025-12-30. Review status: criteria provided, single submitter. Criteria: Invitae Variant Classification Sherloc (09022015). Collection method: clinical testing. Allele origin: germline.
Comment: This sequence change replaces alanine, which is neutral and non-polar, with valine, which is neutral and non-polar, at codon 1265 of the ADGRA3 protein (p.Ala1265Val). The frequency data for this variant in the population databases is considered unreliable, as metrics indicate poor data quality at this position in the gnomAD database. This variant has not been reported in the literature in individuals affected with ADGRA3-related conditions. ClinVar contains an entry for this variant (Variation ID: 2058250). An algorithm developed to predict the effect of missense changes on protein structure and function outputs the following: PolyPhen-2: "Benign". The valine amino acid residue is found in multiple mammalian species, which suggests that this missense change does not adversely affect protein function. In summary, the available evidence is currently insufficient to determine the role of this variant in disease. Therefore, it has been classified as a Variant of Uncertain Significance.

NM_145290.4(ADGRA3):c.3794C>T (p.Ala1265Val)

Gene: ADGRA3 (adhesion G protein-coupled receptor A3; minus strand). Cytogenetic location: 4p15.2.
Variant type: single nucleotide variant.
Coding change: c.3794C>T on transcript NM_145290.4 (MANE Select); coding-DNA position 3794, C replaced by T.
Protein change: p.Ala1265Val; replaces alanine 1265 with valine.
Molecular consequence: missense variant.
Genome position (GRCh38, 1-based): chr4:22,387,877, G>A on the plus strand (C>T on the coding strand, the complement: ADGRA3 is on the minus strand). VCF-style: chr4-22387877-G-A. GRCh37 (hg19) VCF-style: chr4-22389500-G-A.
Other names: short protein forms A1265V.
Identifiers: ClinVar variation 2058250 (VCV002058250.4), dbSNP rs564104204, ClinGen allele CA93479449.
Genomic context (GRCh38, chr4:22,387,877, plus strand): 5'-AAGTTGAGGCCATAAGATTTTTGCTGATTTTCAAGTTCAACCACAGCTGGCTTCCTTAAC[G>A]CATCTTTTTTACTAGTGGTTGAAACTGGCTTTTCAAAATTTCTGCTACTTTTGGGAAGTG-3'
Protein context (NP_660333.2, residues 1255-1275): KPVSTTSKKD[Ala1265Val]LRKPAVVELE